The following is an entry in ClinVar:

ClinVar aggregate classification (germline): Uncertain significance (1 of 4 stars; one submission).

Conditions:
Tuberous sclerosis 1 (TSC1). Identifiers: Orphanet 805, MedGen C1854465, MONDO:0008612, OMIM 191100.

Submission:

Labcorp Genetics (formerly Invitae), Labcorp
Classification: Uncertain significance for Tuberous sclerosis 1. Last evaluated: 2023-10-29. Review status: criteria provided, single submitter. Criteria: Invitae Variant Classification Sherloc (09022015). Collection method: clinical testing. Allele origin: germline.
Comment: This sequence change replaces aspartic acid, which is acidic and polar, with glutamic acid, which is acidic and polar, at codon 74 of the TSC1 protein (p.Asp74Glu). This variant is not present in population databases (gnomAD no frequency). This variant has not been reported in the literature in individuals affected with TSC1-related conditions. Advanced modeling of protein sequence and biophysical properties (such as structural, functional, and spatial information, amino acid conservation, physicochemical variation, residue mobility, and thermodynamic stability) performed at Invitae indicates that this missense variant is not expected to disrupt TSC1 protein function with a negative predictive value of 95%. In summary, the available evidence is currently insufficient to determine the role of this variant in disease. Therefore, it has been classified as a Variant of Uncertain Significance.

NM_000368.5(TSC1):c.222C>G (p.Asp74Glu)

Gene: TSC1 (TSC complex subunit 1; minus strand). Cytogenetic location: 9q34.13.
Variant type: single nucleotide variant.
Coding change: c.222C>G on transcript NM_000368.5 (MANE Select); coding-DNA position 222, C replaced by G.
Protein change: p.Asp74Glu; replaces aspartic acid 74 with glutamic acid.
Molecular consequence: missense variant. On other transcripts: 5 prime UTR variant (18), non-coding transcript variant (5), intron variant (5).
Genome position (GRCh38, 1-based): chr9:132,925,728, G>C on the plus strand (C>G on the coding strand, the complement: TSC1 is on the minus strand). VCF-style: chr9-132925728-G-C. GRCh37 (hg19) VCF-style: chr9-135801115-G-C.
Other names: c.222C>G, p.Asp74Glu (NM_001162426.2, NM_001406593.1, NM_001406594.1 and 16 more transcripts); c.-142C>G (NM_001362177.2, NM_001406617.1, NM_001406618.1 and 5 more transcripts); c.-234C>G (NM_001406614.1, NM_001406616.1, NM_001406624.1); c.-267C>G (NM_001406615.1, NM_001406623.1); c.-656C>G (NM_001406626.1, NM_001406627.1, NM_001406628.1); c.-798C>G (NM_001406629.1); c.-872C>G (NM_001406630.1); c.210+1473C>G (NM_001406613.1, NM_001406612.1, NM_001406610.1 and 2 more transcripts); short protein forms D74E.
Identifiers: ClinVar variation 2772553 (VCV002772553.3), dbSNP rs1846821570, ClinGen allele CA375374841.
Genomic context (GRCh38, chr9:132,925,728, plus strand): 5'-ACCCAGTAACGAGAGGATGGATAAACGAGTGGCGGCTTTGCCCACATATTCGTTAATCCT[G>C]TCCAAGAGGTGCTGAAAATGTAAAAGAACAAGGGCAGTCCTCACATGAATGTATGAAGTT-3'
Protein context (NP_000359.1, residues 64-84): LQEPHDKHLL[Asp74Glu]RINEYVGKAA